The following is an entry in ClinVar:

ClinVar aggregate classification (germline): Uncertain significance (1 of 4 stars; one submission).

Conditions:
Ehlers-Danlos syndrome, classic type, 1 (EDSCL1). Also called: EHLERS-DANLOS SYNDROME, GRAVIS TYPE; EHLERS-DANLOS SYNDROME, SEVERE CLASSIC TYPE; Ehlers-Danlos syndrome, type 1; Ehlers-Danlos Syndrome, Classic Type, COL5A1-Related; EDS I. Identifiers: MedGen C0268335, MONDO:0019567, OMIM 130000.

Allele frequency attached by ClinVar (database versions not stated): gnomAD exomes 0.00001.
gnomAD v4.1: 8 of 1,614,044 alleles (0.0005%); highest among the groups gnomAD compares: Non-Finnish European, 0.00068%; no homozygotes.

Submission:

Labcorp Genetics (formerly Invitae), Labcorp
Classification: Uncertain significance for Ehlers-Danlos syndrome, classic type, 1. Last evaluated: 2023-03-10. Review status: criteria provided, single submitter. Criteria: Invitae Variant Classification Sherloc (09022015). Collection method: clinical testing. Allele origin: germline.
Comment: This sequence change replaces glutamic acid, which is acidic and polar, with lysine, which is basic and polar, at codon 1250 of the COL5A2 protein (p.Glu1250Lys). This variant is not present in population databases (gnomAD no frequency). This variant has not been reported in the literature in individuals affected with COL5A2-related conditions. Advanced modeling of protein sequence and biophysical properties (such as structural, functional, and spatial information, amino acid conservation, physicochemical variation, residue mobility, and thermodynamic stability) performed at Invitae indicates that this missense variant is not expected to disrupt COL5A2 protein function. In summary, the available evidence is currently insufficient to determine the role of this variant in disease. Therefore, it has been classified as a Variant of Uncertain Significance.

NM_000393.5(COL5A2):c.3748G>A (p.Glu1250Lys)

Gene: COL5A2 (collagen type V alpha 2 chain; minus strand). Cytogenetic location: 2q32.2.
Variant type: single nucleotide variant.
Coding change: c.3748G>A on transcript NM_000393.5 (MANE Select); coding-DNA position 3748, G replaced by A.
Protein change: p.Glu1250Lys; replaces glutamic acid 1250 with lysine.
Molecular consequence: missense variant.
Genome position (GRCh38, 1-based): chr2:189,039,449, C>T on the plus strand (G>A on the coding strand, the complement: COL5A2 is on the minus strand). VCF-style: chr2-189039449-C-T. GRCh37 (hg19) VCF-style: chr2-189904175-C-T.
Other names: short protein forms E1250K.
Identifiers: ClinVar variation 2809430 (VCV002809430.3), dbSNP rs2469221440, ClinGen allele CA349857891.